The following is an entry in ClinVar:

NM_000360.4(TH):c.1122_1123delinsTT (p.Glu375Ter)

Gene: TH (tyrosine hydroxylase; minus strand). Cytogenetic location: 11p15.5.
Variant type: Indel.
Coding change: c.1122_1123delinsTT on transcript NM_000360.4 (MANE Select); coding-DNA positions 1122 to 1123, GG replaced by TT.
Protein change: p.Glu375Ter; replaces glutamic acid 375 with a stop codon.
Molecular consequence: nonsense.
Genome position (GRCh38, 1-based): chr11:2,165,745-2,165,746, CC replaced by AA on the plus strand (GG replaced by TT on the coding strand, the reverse complement: TH is on the minus strand). VCF-style: chr11-2165745-CC-AA. GRCh37 (hg19) VCF-style: chr11-2186975-CC-AA.
Other names: c.1215_1216delinsTT, p.Glu406Ter (NM_199292.3); c.1203_1204delinsTT, p.Glu402Ter (NM_199293.3); short protein forms E402*, E406*, E375*.
Identifiers: ClinVar variation 1456177 (VCV001456177.7), dbSNP rs2133690417, ClinGen allele CA2573146033.
Genomic context (GRCh38, chr11:2,165,745, plus strand): 5'-AGGACAGCAGCCCGGCACCATAGGCCTTCACCTCCCCGTTCTGCTTACACAGCCCGAACT[CC>AA]ACCGTGAACCAGTACAGCTGCGGGGAAGCCGGGCAGCATCAGCCCAGAGACAGCTGCCGC-3'

ClinVar aggregate classification (germline): Pathogenic/Likely pathogenic. Review status: criteria provided, multiple submitters, no conflicts (2 of 4 stars). 2 submissions from 2 submitters: Pathogenic (1); Likely pathogenic (1). Last evaluated 2024-03-09.

Conditions:
TH-deficient dopa-responsive dystonia. Also called: Tyrosine Hydroxylase-Deficient Dopa-Responsive Dystonia; Segawa syndrome, autosomal recessive; DYT-TH. Identifiers: Orphanet 101150, MedGen C2673535, MONDO:0011551, OMIM 605407.

Submissions (2):

Fulgent Genetics
Classification: Likely pathogenic for TH-deficient dopa-responsive dystonia. Last evaluated: 2024-03-09. Review status: criteria provided, single submitter. Criteria: ACMG Guidelines, 2015. Collection method: clinical testing. Allele origin: germline.

Labcorp Genetics (formerly Invitae), Labcorp
Classification: Pathogenic for TH-deficient dopa-responsive dystonia. Last evaluated: 2023-09-14. Review status: criteria provided, single submitter. Criteria: Invitae Variant Classification Sherloc (09022015). Collection method: clinical testing. Allele origin: germline.
Comment: This sequence change creates a premature translational stop signal (p.Glu406*) in the TH gene. It is expected to result in an absent or disrupted protein product. Loss-of-function variants in TH are known to be pathogenic (PMID: 22264700, 24753243). For these reasons, this variant has been classified as Pathogenic. ClinVar contains an entry for this variant (Variation ID: 1456177). This variant has not been reported in the literature in individuals affected with TH-related conditions. Information on the frequency of this variant in the gnomAD database is not available, as this variant may be reported differently in the database.

Literature cited by the submitters: PubMed 22264700 (cited by Labcorp Genetics (formerly Invitae), Labcorp); PubMed 24753243 (cited by Labcorp Genetics (formerly Invitae), Labcorp).